The following is an entry in ClinVar:

NM_001114753.3(ENG):c.1176del (p.Ser393fs)

Genes: ENG (endoglin; minus strand), LOC102723566 (uncharacterized LOC102723566; plus strand). Cytogenetic location: 9q34.11.
Variant type: Deletion.
Coding change: c.1176del on transcript NM_001114753.3 (MANE Select); coding-DNA position 1176, one base deleted (C; older notation c.1176delC).
Protein change: p.Ser393fs; shifts the reading frame from serine 393.
Molecular consequence: frameshift variant.
Genome position (GRCh38, 1-based): chr9:127,819,996, G deleted on the plus strand (C on the coding strand, the reverse complement: ENG is on the minus strand); the first of 4 consecutive G bases (chr9:127,819,996-127,819,999); deleting any one gives the same sequence. VCF-style (leftmost placement, unchanged base first): chr9-127819995-TG-T. GRCh37 (hg19) VCF-style: chr9-130582274-TG-T.
Other names: c.1173delC, p.Ser393Alafs (NM_000118.4); c.630del, p.Ser211fs (NM_001278138.2); short protein forms S211fs, S393fs.
Identifiers: ClinVar variation 1740798 (VCV001740798.8), dbSNP rs2539064352, ClinGen allele CA2580079607.

ClinVar aggregate classification (germline): Pathogenic. Review status: criteria provided, multiple submitters, no conflicts (2 of 4 stars). 2 submissions from 2 submitters: Pathogenic (2). Last evaluated 2026-02-20.

Conditions:
Cardiovascular phenotype. Identifiers: MedGen CN230736.
Hereditary hemorrhagic telangiectasia (HHT). Also called: ORW DISEASE; Osler Weber Rendu syndrome; OSLER-RENDU-WEBER DISEASE; Osler hemorrhagic telangiectasia syndrome. Identifiers: Orphanet 774, MedGen C0039445, MONDO:0019180. Disease mechanism: loss of function.

Submissions (2):

Ambry Genetics
Classification: Pathogenic for Cardiovascular phenotype. Last evaluated: 2026-02-20. Review status: criteria provided, single submitter. Criteria: Ambry Variant Classification Scheme 2023. Collection method: clinical testing. Allele origin: germline.
Comment: The c.1176delC pathogenic mutation, located in coding exon 9 of the ENG gene, results from a deletion of one nucleotide at nucleotide position 1176, causing a translational frameshift with a predicted alternate stop codon (p.S393Afs*28). This variant is considered to be rare based on population cohorts in the Genome Aggregation Database (gnomAD). This alteration is expected to result in loss of function by premature protein truncation or nonsense-mediated mRNA decay. As such, this alteration is interpreted as a disease-causing mutation.

Labcorp Genetics (formerly Invitae), Labcorp
Classification: Pathogenic for Hereditary hemorrhagic telangiectasia. Last evaluated: 2022-05-20. Review status: criteria provided, single submitter. Criteria: Invitae Variant Classification Sherloc (09022015). Collection method: clinical testing. Allele origin: germline.
Comment: For these reasons, this variant has been classified as Pathogenic. This variant has not been reported in the literature in individuals affected with ENG-related conditions. This variant is not present in population databases (gnomAD no frequency). This sequence change creates a premature translational stop signal (p.Ser393Alafs*28) in the ENG gene. It is expected to result in an absent or disrupted protein product. Loss-of-function variants in ENG are known to be pathogenic (PMID: 15879500).

Literature cited by the submitters: PubMed 15879500 (cited by Labcorp Genetics (formerly Invitae), Labcorp).